The following is an entry in ClinVar:

ClinVar aggregate classification (germline): Uncertain significance. Review status: criteria provided, multiple submitters, no conflicts (2 of 4 stars). 2 submissions from 2 submitters: Uncertain significance (2). Last evaluated 2025-03-14.

Allele frequency attached by ClinVar (database versions not stated): TOPMed below 0.00001; gnomAD exomes 0.00001.
gnomAD v4.1: 5 of 1,610,280 alleles (0.00031%); highest among the groups gnomAD compares: Non-Finnish European, 0.000085%; no homozygotes.

Submissions (2):

Ambry Genetics
Classification: Uncertain significance. Last evaluated: 2025-03-14. Review status: criteria provided, single submitter. Criteria: Ambry Variant Classification Scheme 2023. Collection method: clinical testing. Allele origin: germline.

Labcorp Genetics (formerly Invitae), Labcorp
Classification: Uncertain significance. Last evaluated: 2024-09-23. Review status: criteria provided, single submitter. Criteria: Invitae Variant Classification Sherloc (09022015). Collection method: clinical testing. Allele origin: germline.
Comment: This sequence change replaces phenylalanine, which is neutral and non-polar, with leucine, which is neutral and non-polar, at codon 482 of the RINT1 protein (p.Phe482Leu). This variant is present in population databases (no rsID available, gnomAD 0.01%). This variant has not been reported in the literature in individuals affected with RINT1-related conditions. ClinVar contains an entry for this variant (Variation ID: 1426491). An algorithm developed to predict the effect of missense changes on protein structure and function (PolyPhen-2) suggests that this variant is likely to be disruptive. In summary, the available evidence is currently insufficient to determine the role of this variant in disease. Therefore, it has been classified as a Variant of Uncertain Significance.

NM_021930.6(RINT1):c.1444T>C (p.Phe482Leu)

Gene: RINT1 (RAD50 interactor 1; plus strand). Cytogenetic location: 7q22.3.
Variant type: single nucleotide variant.
Coding change: c.1444T>C on transcript NM_021930.6 (MANE Select); coding-DNA position 1444, T replaced by C.
Protein change: p.Phe482Leu; replaces phenylalanine 482 with leucine.
Molecular consequence: missense variant. On other transcripts: non-coding transcript variant (1).
Genome position (GRCh38, 1-based): chr7:105,551,680, T>C. VCF-style: chr7-105551680-T-C. GRCh37 (hg19) VCF-style: chr7-105192127-T-C.
Other names: c.1210T>C, p.Phe404Leu (NM_001346599.2); c.421T>C, p.Phe141Leu (NM_001346600.2, NM_001346603.2); c.520T>C, p.Phe174Leu (NM_001346601.2); short protein forms F141L, F404L, F174L, F482L.
Identifiers: ClinVar variation 1426491 (VCV001426491.11), dbSNP rs1455268910, ClinGen allele CA368810441.